The following is an entry in ClinVar:

NM_004629.2(FANCG):c.1253A>C (p.Glu418Ala)

Gene: FANCG (FA complementation group G; minus strand). Cytogenetic location: 9p13.3.
Variant type: single nucleotide variant.
Coding change: c.1253A>C on transcript NM_004629.2 (MANE Select); coding-DNA position 1253, A replaced by C.
Protein change: p.Glu418Ala; replaces glutamic acid 418 with alanine.
Molecular consequence: missense variant.
Genome position (GRCh38, 1-based): chr9:35,075,645, T>G on the plus strand (A>C on the coding strand, the complement: FANCG is on the minus strand). VCF-style: chr9-35075645-T-G. GRCh37 (hg19) VCF-style: chr9-35075642-T-G.
Other names: short protein forms E418A.
Identifiers: ClinVar variation 3707567 (VCV003707567.3).
Genomic context (GRCh38, chr9:35,075,645, plus strand): 5'-GCATCTTCCCACAGCCGGGACATCTTGGGTAGCAGAGATGATGTGCGGCTGAGCAACTCC[T>G]CACATAGAGTCAAGGCATCTTGGGCTCTGCCTGCCTGGATCAGTGCTACCGCTGCCTCCA-3'
Protein context (NP_004620.1, residues 408-428): GRAQDALTLC[Glu418Ala]ELLSRTSSLL

ClinVar aggregate classification (germline): Uncertain significance. Review status: criteria provided, multiple submitters, no conflicts (2 of 4 stars). 2 submissions from 2 submitters: Uncertain significance (2). Last evaluated 2025-03-27.

Conditions:
Inborn genetic diseases. Identifiers: MedGen C0950123, MeSH D030342.
Fanconi anemia (FA). Also called: Fanconi's anemia. Identifiers: Orphanet 84, MedGen C0015625, MeSH D005199, MONDO:0019391.

gnomAD v4.1: 8 of 1,609,566 alleles (0.0005%); highest among the groups gnomAD compares: African/African-American, 0.0094%; no homozygotes.

Submissions (2):

Labcorp Genetics (formerly Invitae), Labcorp
Classification: Uncertain significance for Fanconi anemia. Last evaluated: 2025-03-27. Review status: criteria provided, single submitter. Criteria: Invitae Variant Classification Sherloc (09022015). Collection method: clinical testing. Allele origin: germline.
Comment: This sequence change replaces glutamic acid, which is acidic and polar, with alanine, which is neutral and non-polar, at codon 418 of the FANCG protein (p.Glu418Ala). This variant is present in population databases (no rsID available, gnomAD 0.007%). This variant has not been reported in the literature in individuals affected with FANCG-related conditions. Invitae Evidence Modeling of protein sequence and biophysical properties (such as structural, functional, and spatial information, amino acid conservation, physicochemical variation, residue mobility, and thermodynamic stability) indicates that this missense variant is expected to disrupt FANCG protein function with a positive predictive value of 80%. In summary, the available evidence is currently insufficient to determine the role of this variant in disease. Therefore, it has been classified as a Variant of Uncertain Significance.

Ambry Genetics
Classification: Uncertain significance for Inborn genetic diseases. Last evaluated: 2024-12-23. Review status: criteria provided, single submitter. Criteria: Ambry Variant Classification Scheme 2023. Collection method: clinical testing. Allele origin: germline.
Comment: The p.E418A variant (also known as c.1253A>C), located in coding exon 10 of the FANCG gene, results from an A to C substitution at nucleotide position 1253. The glutamic acid at codon 418 is replaced by alanine, an amino acid with dissimilar properties. This amino acid position is conserved. In addition, this alteration is predicted to be tolerated by in silico analysis. Based on the available evidence, the clinical significance of this variant remains unclear.